The following is an entry in ClinVar:

NM_001164508.2(NEB):c.1570-15CT[3]

Gene: NEB (nebulin; minus strand). Cytogenetic location: 2q23.3.
Variant type: Microsatellite.
Coding change: c.1570-15CT[3] on transcript NM_001164508.2 (MANE Select); three copies in a row of the 2-base unit CT starting at c.1570-15; the reference has four copies in a row; one copy, 2 bases deleted.
Molecular consequence: intron variant.
Genome position (GRCh38, 1-based): chr2:151,695,690-151,695,691, AG deleted on the plus strand (CT on the coding strand, the reverse complement: NEB is on the minus strand); deleting any 2 consecutive bases within chr2:151,695,690-151,695,698 gives the same sequence; the position shown is the placement nearest the transcript's 3' end. VCF-style (leftmost placement, unchanged base first): chr2-151695689-CAG-C. GRCh37 (hg19) VCF-style: chr2-152552203-CAG-C.
Other names: c.1570-15CT[3] (NM_004543.5, NM_001164507.2, NM_001271208.2).
Identifiers: ClinVar variation 4537969 (VCV004537969.1).

ClinVar aggregate classification (germline): Uncertain significance (1 of 4 stars; one submission).

Submission:

GeneDx
Classification: Uncertain significance. Last evaluated: 2025-06-09. Review status: criteria provided, single submitter. Criteria: GeneDx Variant Classification Process June 2021. Collection method: clinical testing. Allele origin: germline. Affected: yes.
Comment: Not observed at significant frequency in large population cohorts (gnomAD); Has not been previously published as pathogenic or benign to our knowledge; In silico analysis is inconclusive as to whether the variant alters gene splicing. In the absence of RNA/functional studies, the actual effect of this sequence change is unknown.